The following is an entry in ClinVar:

NM_170606.3(KMT2C):c.4681C>G (p.Leu1561Val)

Gene: KMT2C (lysine methyltransferase 2C; minus strand). Cytogenetic location: 7q36.1.
Variant type: single nucleotide variant.
Coding change: c.4681C>G on transcript NM_170606.3 (MANE Select); coding-DNA position 4681, C replaced by G.
Protein change: p.Leu1561Val; replaces leucine 1561 with valine.
Molecular consequence: missense variant.
Genome position (GRCh38, 1-based): chr7:152,187,827, G>C on the plus strand (C>G on the coding strand, the complement: KMT2C is on the minus strand). VCF-style: chr7-152187827-G-C. GRCh37 (hg19) VCF-style: chr7-151884912-G-C.
Other names: c.4681C>G (NM_170606.2); short protein forms L1561V.
Identifiers: ClinVar variation 1934782 (VCV001934782.6), dbSNP rs2093670713, ClinGen allele CA370103482.

ClinVar aggregate classification (germline): Uncertain significance. Review status: criteria provided, multiple submitters, no conflicts (2 of 4 stars). 2 submissions from 2 submitters: Uncertain significance (2). Last evaluated 2025-08-04.

Conditions:
Inborn genetic diseases. Identifiers: MedGen C0950123, MeSH D030342.

Allele frequency attached by ClinVar (database versions not stated): TOPMed 0.00001.

Submissions (2):

Ambry Genetics
Classification: Uncertain significance for Inborn genetic diseases. Last evaluated: 2025-08-04. Review status: criteria provided, single submitter. Criteria: Ambry Variant Classification Scheme 2023. Collection method: clinical testing. Allele origin: germline.

Labcorp Genetics (formerly Invitae), Labcorp
Classification: Uncertain significance. Last evaluated: 2023-02-24. Review status: criteria provided, single submitter. Criteria: Invitae Variant Classification Sherloc (09022015). Collection method: clinical testing. Allele origin: germline.
Comment: In summary, the available evidence is currently insufficient to determine the role of this variant in disease. Therefore, it has been classified as a Variant of Uncertain Significance. Advanced modeling of protein sequence and biophysical properties (such as structural, functional, and spatial information, amino acid conservation, physicochemical variation, residue mobility, and thermodynamic stability) performed at Invitae indicates that this missense variant is not expected to disrupt KMT2C protein function. ClinVar contains an entry for this variant (Variation ID: 1934782). This variant has not been reported in the literature in individuals affected with KMT2C-related conditions. This variant is not present in population databases (gnomAD no frequency). This sequence change replaces leucine, which is neutral and non-polar, with valine, which is neutral and non-polar, at codon 1561 of the KMT2C protein (p.Leu1561Val).